The following is an entry in ClinVar:

ClinVar aggregate classification (germline): Likely benign (1 of 4 stars; one submission).

Allele frequency attached by ClinVar (database versions not stated): gnomAD 0.00001; TOPMed 0.00001.

Submission:

Women's Health and Genetics/Laboratory Corporation of America, LabCorp
Classification: Likely benign. Last evaluated: 2024-04-12. Review status: criteria provided, single submitter. Criteria: LabCorp Variant Classification Summary - May 2015. Collection method: clinical testing. Allele origin: germline.
Comment: Variant summary: USP7 c.2730A>G alters a conserved nucleotide resulting in a synonymous change. Consensus agreement among computation tools predict no significant impact on normal splicing. However, these predictions have yet to be confirmed by functional studies. The variant allele was found at a frequency of 8e-06 in 251238 control chromosomes. The available data on variant occurrences in the general population are insufficient to allow any conclusion about variant significance. To our knowledge, no occurrence of c.2730A>G in individuals affected with Hao-Fountain Syndrome and no experimental evidence demonstrating its impact on protein function have been reported. No submitters have cited clinical-significance assessments for this variant to ClinVar. Based on the evidence outlined above, the variant was classified as likely benign.

NM_003470.3(USP7):c.2730A>G (p.Leu910=)

Gene: USP7 (ubiquitin specific peptidase 7; minus strand). Cytogenetic location: 16p13.2.
Variant type: single nucleotide variant.
Coding change: c.2730A>G on transcript NM_003470.3 (MANE Select); coding-DNA position 2730, A replaced by G.
Protein change: p.Leu910=; no amino-acid change (leucine 910 retained).
Molecular consequence: synonymous variant. On other transcripts: non-coding transcript variant (1).
Genome position (GRCh38, 1-based): chr16:8,897,088, T>C on the plus strand (A>G on the coding strand, the complement: USP7 is on the minus strand). VCF-style: chr16-8897088-T-C. GRCh37 (hg19) VCF-style: chr16-8990945-T-C.
Other names: c.2682A>G, p.Leu894= (NM_001286457.2); c.2433A>G, p.Leu811= (NM_001286458.2); c.2556A>G, p.Leu852= (NM_001321858.2).
Identifiers: ClinVar variation 3251327 (VCV003251327.1), dbSNP rs770437948.